The following is an entry in ClinVar:

NM_001374353.1(GLI2):c.2659C>T (p.Pro887Ser)

Gene: GLI2 (GLI family zinc finger 2; plus strand). Cytogenetic location: 2q14.2.
Variant type: single nucleotide variant.
Coding change: c.2659C>T on transcript NM_001374353.1 (MANE Select); coding-DNA position 2659, C replaced by T.
Protein change: p.Pro887Ser; replaces proline 887 with serine.
Molecular consequence: missense variant.
Genome position (GRCh38, 1-based): chr2:120,988,624, C>T. VCF-style: chr2-120988624-C-T. GRCh37 (hg19) VCF-style: chr2-121746200-C-T.
Other names: c.2710C>T, p.Pro904Ser (NM_001371271.1, NM_005270.5); c.2284C>T, p.Pro762Ser (NM_001374354.1); short protein forms P762S, P887S, P904S.
Identifiers: ClinVar variation 4975954 (VCV004975954.1).

ClinVar aggregate classification (germline): Uncertain significance (1 of 4 stars; one submission).

gnomAD v4.1: 1 of 1,457,408 alleles (0.000069%); highest among the groups gnomAD compares: Non-Finnish European, 0.00009%; no homozygotes.

Submission:

GeneDx
Classification: Uncertain significance. Last evaluated: 2026-02-14. Review status: criteria provided, single submitter. Criteria: GeneDx Variant Classification Process June 2021. Collection method: clinical testing. Allele origin: germline.
Comment: Not observed at significant frequency in large population cohorts (gnomAD); In silico analysis supports that this missense variant has a deleterious effect on protein structure/function; Has not been previously published as pathogenic or benign to our knowledge